The following is an entry in ClinVar:

NM_013296.5(GPSM2):c.732A>G (p.Ala244=)

Gene: GPSM2 (G protein signaling modulator 2; plus strand). Cytogenetic location: 1p13.3.
Variant type: single nucleotide variant.
Coding change: c.732A>G on transcript NM_013296.5 (MANE Select); coding-DNA position 732, A replaced by G.
Protein change: p.Ala244=; no amino-acid change (alanine 244 retained).
Molecular consequence: synonymous variant.
Genome position (GRCh38, 1-based): chr1:108,898,929, A>G. VCF-style: chr1-108898929-A-G. GRCh37 (hg19) VCF-style: chr1-109441551-A-G.
Other names: c.732A>G, p.Ala244= (NM_001321038.2, NM_001321039.3).
Identifiers: ClinVar variation 517394 (VCV000517394.4), dbSNP rs1553211713, ClinGen allele CA419333985.
Genomic context (GRCh38, chr1:108,898,929, plus strand): 5'-TTTGTTTCAGCGTCTCCTTATTGCAAAAGAATTTGGAGATAAAGCAGCTGAAAGAAGAGC[A>G]TATAGCAACCTTGGAAATGCATATATATTTCTTGGTGAATTTGAAACTGCCTCGGAATAC-3'
Protein context (NP_037428.3, residues 234-254): EFGDKAAERR[Ala244=]YSNLGNAYIF

ClinVar aggregate classification (germline): Likely benign (1 of 4 stars; one submission).

Submission:

Laboratory for Molecular Medicine, Mass General Brigham Personalized Medicine
Classification: Likely benign. Last evaluated: 2017-05-18. Review status: criteria provided, single submitter. Criteria: LMM Criteria. Collection method: clinical testing. Allele origin: germline. Observed: 1 variant allele.
Comment: p.Ala244Ala in exon 7 of GPSM2: This variant is not expected to have clinical si gnificance because it does not alter an amino acid residue and is not located wi thin the splice consensus sequence.